The following is an entry in ClinVar:

ClinVar aggregate classification (germline): Likely benign (0 of 4 stars; one submission).

Conditions:
OTULIN-related disorder. Also called: OTULIN-related condition.

Allele frequency attached by ClinVar (database versions not stated): gnomAD exomes below 0.00001; TOPMed below 0.00001; gnomAD 0.00001.
gnomAD v4.1: 6 of 1,217,690 alleles (0.00049%); highest among the groups gnomAD compares: Non-Finnish European, 0.00061%; no homozygotes.

Submission:

PreventionGenetics, part of Exact Sciences
Classification: Likely benign for OTULIN-related condition. Last evaluated: 2019-09-09. Review status: no assertion criteria provided. Collection method: clinical testing. Allele origin: germline.
Comment: This variant is classified as likely benign based on ACMG/AMP sequence variant interpretation guidelines (Richards et al. 2015 PMID: 25741868, with internal and published modifications).

NM_138348.6(OTULIN):c.-3C>T

Gene: OTULIN (OTU deubiquitinase with linear linkage specificity; plus strand). Cytogenetic location: 5p15.2.
Variant type: single nucleotide variant.
Coding change: c.-3C>T on transcript NM_138348.6 (MANE Select); 3 bases upstream of the start codon, C replaced by T.
Molecular consequence: 5 prime UTR variant.
Genome position (GRCh38, 1-based): chr5:14,664,823, C>T. VCF-style: chr5-14664823-C-T. GRCh37 (hg19) VCF-style: chr5-14664932-C-T.
Identifiers: ClinVar variation 3040592 (VCV003040592.2), dbSNP rs1404573525, ClinGen allele CA558341095.